The following is an entry in ClinVar:

ClinVar aggregate classification (germline): Pathogenic/Likely pathogenic. Review status: criteria provided, multiple submitters, no conflicts (2 of 4 stars). 3 submissions from 3 submitters: Pathogenic (2); Likely pathogenic (1). Last evaluated 2024-09-27.

Conditions:
Propionic acidemia (PROP). Also called: GLYCINEMIA, KETOTIC; HYPERGLYCINEMIA WITH KETOACIDOSIS AND LEUKOPENIA; KETOTIC HYPERGLYCINEMIA. Identifiers: Orphanet 35, MedGen C0268579, MONDO:0011628, OMIM 606054, HP:0003571.

Submissions (3):

Natera, Inc.
Classification: Likely pathogenic for Propionic acidemia. Last evaluated: 2024-09-27. Review status: criteria provided, single submitter. Criteria: Natera Variant Classification Schema (03/2026). Collection method: clinical testing. Allele origin: germline.
Comment: The c.1178dup variant in PCCA is a frameshift variant predicted to shift the reading frame beginning at codon 394 and leads to a stop codon 4 codons downstream. This variant is expected to result in nonsense mediated decay, truncation, or a dysfunctional protein product. This variant is rare in the general population with a frequency below the threshold expected for the associated phenotype(s). Given the available evidence, this variant is classified as Likely Pathogenic.

Labcorp Genetics (formerly Invitae), Labcorp
Classification: Pathogenic for Propionic acidemia. Last evaluated: 2024-08-08. Review status: criteria provided, single submitter. Criteria: Invitae Variant Classification Sherloc (09022015). Collection method: clinical testing. Allele origin: germline.
Comment: This sequence change creates a premature translational stop signal (p.Trp394Leufs*4) in the PCCA gene. It is expected to result in an absent or disrupted protein product. Loss-of-function variants in PCCA are known to be pathogenic (PMID: 15464417). This variant is not present in population databases (gnomAD no frequency). This variant has not been reported in the literature in individuals affected with PCCA-related conditions. Algorithms developed to predict the effect of sequence changes on RNA splicing suggest that this variant may disrupt the consensus splice site. For these reasons, this variant has been classified as Pathogenic.

Myriad Genetics, Inc.
Classification: Pathogenic for Propionic acidemia. Last evaluated: 2024-02-26. Review status: criteria provided, single submitter. Criteria: Myriad Autosomal Dominant, Autosomal Recessive and X-Linked Classification Criteria (2023). Collection method: clinical testing. Allele origin: unknown.
Comment: NM_000282.3(PCCA):c.1178dupG(W394Lfs*4) is expected to be pathogenic in the context of PCCA-related propionic acidemia. This variant is predicted to lead to an abnormal or absent protein product due to the creation of a premature termination codon in PCCA, a gene where loss-of-function variants are known to be pathogenic. Please note: this variant was assessed in the context of healthy population screening.

Literature cited by the submitters: PubMed 15464417 (cited by Labcorp Genetics (formerly Invitae), Labcorp).

NM_000282.4(PCCA):c.1178dup (p.Trp394fs)

Gene: PCCA (propionyl-CoA carboxylase subunit alpha; plus strand). Cytogenetic location: 13q32.3.
Variant type: Duplication.
Coding change: c.1178dup on transcript NM_000282.4 (MANE Select); coding-DNA position 1178, one base duplicated (G; older notation c.1178dupG).
Protein change: p.Trp394fs; shifts the reading frame from tryptophan 394.
Molecular consequence: frameshift variant. On other transcripts: non-coding transcript variant (5), intron variant (3).
Genome position (GRCh38, 1-based): chr13:100,301,572, G duplicated; the last of 2 consecutive G bases (chr13:100,301,571-100,301,572); duplicating either gives the same sequence. VCF-style (leftmost placement, unchanged base first): chr13-100301570-C-CG. GRCh37 (hg19) VCF-style: chr13-100953824-C-CG.
Other names: c.1178dup (NM_000282.3); c.1100dup, p.Trp368fs (NM_001127692.3, NM_001352607.2); c.1178dup, p.Trp394fs (NM_001178004.2, NM_001352605.2, NM_001352609.2); c.233dup, p.Trp79fs (NM_001352610.2, NM_001352611.2); c.1066-1352dup (NM_001352606.2); c.121-1352dup (NM_001352612.2); c.988-1352dup (NM_001352608.2); short protein forms W79fs, W394fs, W368fs.
Identifiers: ClinVar variation 2748405 (VCV002748405.5), dbSNP rs2548113928, ClinGen allele CA2697551949.